The following is an entry in ClinVar:

ClinVar aggregate classification (germline): Uncertain significance (1 of 4 stars; one submission).

Allele frequency attached by ClinVar (database versions not stated): gnomAD exomes 0.00001; gnomAD 0.00002; ExAC 0.00005; 1000 Genomes Project 30x 0.00016; 1000 Genomes Project 0.00020.
gnomAD v4.1: 23 of 1,605,600 alleles (0.0014%); highest among the groups gnomAD compares: East Asian, 0.027%; no homozygotes.

Submission:

Labcorp Genetics (formerly Invitae), Labcorp
Classification: Uncertain significance. Last evaluated: 2025-07-09. Review status: criteria provided, single submitter. Criteria: Invitae Variant Classification Sherloc (09022015). Collection method: clinical testing. Allele origin: germline.
Comment: This sequence change replaces arginine, which is basic and polar, with glutamine, which is neutral and polar, at codon 763 of the TNFAIP3 protein (p.Arg763Gln). This variant is present in population databases (rs369621216, gnomAD 0.03%). This variant has not been reported in the literature in individuals affected with TNFAIP3-related conditions. ClinVar contains an entry for this variant (Variation ID: 1901559). An algorithm developed to predict the effect of missense changes on protein structure and function (PolyPhen-2) suggests that this variant is likely to be disruptive. In summary, the available evidence is currently insufficient to determine the role of this variant in disease. Therefore, it has been classified as a Variant of Uncertain Significance.

NM_001270508.2(TNFAIP3):c.2288G>A (p.Arg763Gln)

Gene: TNFAIP3 (TNF alpha induced protein 3; plus strand). Cytogenetic location: 6q23.3.
Variant type: single nucleotide variant.
Coding change: c.2288G>A on transcript NM_001270508.2 (MANE Select); coding-DNA position 2288, G replaced by A.
Protein change: p.Arg763Gln; replaces arginine 763 with glutamine.
Molecular consequence: missense variant.
Genome position (GRCh38, 1-based): chr6:137,881,234, G>A. VCF-style: chr6-137881234-G-A. GRCh37 (hg19) VCF-style: chr6-138202371-G-A.
Other names: c.2288G>A, p.Arg763Gln (NM_001270507.2, NM_006290.4); short protein forms R763Q.
Identifiers: ClinVar variation 1901559 (VCV001901559.5), dbSNP rs369621216, ClinGen allele CA4019839.
Genomic context (GRCh38, chr6:137,881,234, plus strand): 5'-TGGGCCCTGGGGCCCACCGGGGTGAGCCTGCCCCCGAAGACCCCCCCAAGCAGCGTTGCC[G>A]GGCCCCCGCCTGTGATCATTTTGGCAATGCCAAGTGCAACGGCTACTGCAACGAATGCTT-3'
Protein context (NP_001257437.1, residues 753-773): APEDPPKQRC[Arg763Gln]APACDHFGNA